The following is an entry in ClinVar:

NM_001267550.2(TTN):c.89265G>A (p.Trp29755Ter)

Genes: TTN (titin; minus strand), TTN-AS1 (TTN antisense RNA 1; plus strand). Cytogenetic location: 2q31.2.
Variant type: single nucleotide variant.
Coding change: c.89265G>A on transcript NM_001267550.2 (MANE Select); coding-DNA position 89265, G replaced by A.
Protein change: p.Trp29755Ter; replaces tryptophan 29755 with a stop codon.
Molecular consequence: nonsense.
Genome position (GRCh38, 1-based): chr2:178,553,740, C>T on the plus strand (G>A on the coding strand, the complement: TTN is on the minus strand). VCF-style: chr2-178553740-C-T. GRCh37 (hg19) VCF-style: chr2-179418467-C-T.
Other names: c.84342G>A, p.Trp28114Ter (NM_001256850.1); c.62070G>A, p.Trp20690Ter (NM_003319.4); c.81561G>A, p.Trp27187Ter (NM_133378.4); c.62445G>A, p.Trp20815Ter (NM_133432.3); c.62646G>A, p.Trp20882Ter (NM_133437.4); c.89265G>A (NM_001267550.1); short protein forms W29755*, W28114*, W20882*, W20690*, W20815*, W27187*.
Identifiers: ClinVar variation 466669 (VCV000466669.20), dbSNP rs1179247052, ClinGen allele CA349519683.

ClinVar aggregate classification (germline): Pathogenic/Likely pathogenic. Review status: criteria provided, multiple submitters, no conflicts (2 of 4 stars). 4 submissions from 4 submitters: Pathogenic (1); Likely pathogenic (3). Last evaluated 2026-08-20.

Conditions:
Autosomal recessive limb-girdle muscular dystrophy type 2J (LGMDR10). Also called: Limb-girdle muscular dystrophy, type 2J; MUSCULAR DYSTROPHY, LIMB-GIRDLE, AUTOSOMAL RECESSIVE 10. Identifiers: Orphanet 140922, MedGen C1837342, MONDO:0012127, OMIM 608807.
Early-onset myopathy with fatal cardiomyopathy (CMYO5). Also called: CONGENITAL MYOPATHY 5 WITH CARDIOMYOPATHY; Salih Myopathy. Identifiers: Orphanet 289377, MedGen C2673677, MONDO:0012714, OMIM 611705. Disease mechanism: loss of function.
Hypertrophic cardiomyopathy 9. Also called: Familial hypertrophic cardiomyopathy 9. Identifiers: MedGen C1861065, MONDO:0013412, OMIM 613765.
Dilated cardiomyopathy 1G (CMD1G). Identifiers: Orphanet 154, MedGen C1858763, MONDO:0011400, OMIM 604145.
Tibial muscular dystrophy (TMD). Also called: Tibial muscular dystrophy, tardive; Udd Distal Myopathy – Tibial Muscular Dystrophy; UDD MYOPATHY. Identifiers: Orphanet 609, MedGen C1838244, MONDO:0010870, OMIM 600334.
Myopathy, myofibrillar, 9, with early respiratory failure (MFM9). Also called: Hereditary myopathy with early respiratory failure; EDSTROM MYOPATHY; MYOPATHY, PROXIMAL, WITH EARLY RESPIRATORY MUSCLE INVOLVEMENT; Myopathy, distal, with early respiratory failure, autosomal dominant. Identifiers: Orphanet 178464, Orphanet 34521, MedGen C1863599, MONDO:0011362, OMIM 603689.
Cardiovascular phenotype. Identifiers: MedGen CN230736.

Allele frequency attached by ClinVar (database versions not stated): gnomAD 0.00001 and 0.00002; TOPMed 0.00001.
gnomAD v4.1: 5 of 1,613,168 alleles (0.00031%); highest among the groups gnomAD compares: Non-Finnish European, 0.00034%; no homozygotes.

Submissions (4):

Ambry Genetics
Classification: Likely pathogenic for Cardiovascular phenotype. Last evaluated: 2026-08-20. Review status: criteria provided, single submitter. Criteria: Ambry Variant Classification Scheme 2023. Collection method: clinical testing. Allele origin: germline.
Comment: The p.W20690* variant (also known as c.62070G>A), located in coding exon 161 of the TTN gene, results from a G to A substitution at nucleotide position 62070. This changes the amino acid from a tryptophan to a stop codon within coding exon 161. This exon is located in the A-band region of the N2-B isoform of the titin protein and is constitutively expressed in TTN transcripts (percent spliced in or PSI 100%). This variant (referred to as p.Trp29755*, c.89265G>A) has been detected in an early-onset atrial fibrillation cohort (Choi SH et al. JAMA, 2018 12;320:2354-2364). This variant is expected to result in loss of function by premature protein truncation or nonsense-mediated mRNA decay. While truncating variants in TTN are present in 1-3% of the general population, truncating variants in the A-band are the most common cause of dilated cardiomyopathy (Herman DS et al. N. Engl. J. Med., 2012 Feb;366:619-28; Roberts AM et al. Sci Transl Med, 2015 Jan;7:270ra6). TTN truncating variants encoded in constitutive exons (PSI >90%) have been found to be significantly associated with DCM regardless of their position in titin (Schafer S et al. Nat. Genet., 2017 01;49:46-53; Akhtar MM et al. Circ Heart Fail, 2020 Oct;13:e006832; Massier M et al. Clin Genet, 2025 Jan). Based on the majority of available evidence to date, this variant is likely to be pathogenic.

GeneDx
Classification: Likely pathogenic. Last evaluated: 2026-07-14. Review status: criteria provided, single submitter. Criteria: GeneDx Variant Classification Process June 2021. Collection method: clinical testing. Allele origin: germline.
Comment: Nonsense variant predicted to result in protein truncation or nonsense mediated decay in a gene for which loss of function is a known mechanism of disease; Located in the A-band, a region of TTN for which truncating variants are significantly associated with autosomal dominant cardiomyopathy and also with autosomal recessive skeletal myopathies (PMID: 22335739, 32778822); This variant is associated with the following publications: (PMID: 22335739, 32778822, 34495297, 30535219, 39263608, 38050027)

Labcorp Genetics (formerly Invitae), Labcorp
Classification: Pathogenic for Dilated cardiomyopathy 1G; Autosomal recessive limb-girdle muscular dystrophy type 2J. Last evaluated: 2025-12-23. Review status: criteria provided, single submitter. Criteria: Invitae Variant Classification Sherloc (09022015). Collection method: clinical testing. Allele origin: germline.
Comment: This sequence change creates a premature translational stop signal (p.Trp29755*) in the TTN gene. While this is not anticipated to result in nonsense mediated decay, it is expected to create a truncated TTN protein. This variant is present in population databases (no rsID available, gnomAD 0.01%). This premature translational stop signal has been observed in individuals with clinical features of dilated cardiomyopathy or atrial fibrillation (PMID: 30535219; internal data). ClinVar contains an entry for this variant (Variation ID: 466669). This variant is located in the A band of TTN (PMID: 25589632). Truncating variants in this region are significantly overrepresented in patients affected with dilated cardiomyopathy (PMID: 25589632). Truncating variants in this region have also been reported in individuals affected with autosomal recessive centronuclear myopathy (PMID: 23975875). For these reasons, this variant has been classified as Pathogenic.

Fulgent Genetics
Classification: Likely pathogenic for Tibial muscular dystrophy; Myopathy, myofibrillar, 9, with early respiratory failure; Dilated cardiomyopathy 1G; Autosomal recessive limb-girdle muscular dystrophy type 2J; Early-onset myopathy with fatal cardiomyopathy; Hypertrophic cardiomyopathy 9. Last evaluated: 2021-09-20. Review status: criteria provided, single submitter. Criteria: ACMG Guidelines, 2015. Collection method: clinical testing. Allele origin: unknown.

Literature cited by the submitters: PubMed 25589632 (cited by Ambry Genetics and Labcorp Genetics (formerly Invitae), Labcorp); PubMed 30535219 (cited by Ambry Genetics and Labcorp Genetics (formerly Invitae), Labcorp); PubMed 23975875 (cited by Labcorp Genetics (formerly Invitae), Labcorp).